The following is an entry in ClinVar:

ClinVar aggregate classification (germline): Benign. Review status: criteria provided, multiple submitters, no conflicts (2 of 4 stars). 10 submissions from 10 submitters: Benign (8). 2 of the submissions do not count toward it. Last evaluated 2026-02-04.

Conditions:
Wolman disease (WOLD). Also called: LYSOSOMAL ACID LIPASE DEFICIENCY, ACUTE INFANTILE; LYSOSOMAL ACID LIPASE DEFICIENCY, COMPLETE; LIPA DEFICIENCY, COMPLETE; LAL DEFICIENCY, COMPLETE; CHOLESTEROL ESTER HYDROLASE DEFICIENCY, COMPLETE; Acid cholesteryl ester hydrolase deficiency, Wolman type. Identifiers: Orphanet 75233, MedGen C0043208, MONDO:0019148, OMIM 620151.
Cardiovascular phenotype. Identifiers: MedGen CN230736.
Lysosomal acid lipase deficiency. Also called: Acid cholesteryl ester hydrolase deficiency, type 2. Identifiers: Orphanet 275761, MedGen C5574740, MONDO:0800449, MONDO:0010204.

Allele frequency attached by ClinVar (database versions not stated): 1000 Genomes Project 30x 0.30684; 1000 Genomes Project 0.31889; ESP Exome Variant Server 0.16500; TOPMed 0.21525.

Submissions (10):

Labcorp Genetics (formerly Invitae), Labcorp
Classification: Benign for Wolman disease. Last evaluated: 2026-02-04. Review status: criteria provided, single submitter. Criteria: Invitae Variant Classification Sherloc (09022015). Collection method: clinical testing. Allele origin: germline.

GENinCode PLC
Classification: Benign for Lysosomal acid lipase deficiency. Last evaluated: 2022-07-06. Review status: criteria provided, single submitter. Criteria: ACMG Guidelines, 2015. Collection method: clinical testing. Allele origin: germline.

Genome-Nilou Lab
Classification: Benign for Cholesteryl ester storage disease. Last evaluated: 2021-07-10. Review status: criteria provided, single submitter. Criteria: ACMG Guidelines, 2015. Collection method: clinical testing. Allele origin: germline. Affected: no.

Ambry Genetics
Classification: Benign for Cardiovascular phenotype. Last evaluated: 2018-12-11. Review status: criteria provided, single submitter. Criteria: Ambry Variant Classification Scheme 2023. Collection method: clinical testing. Allele origin: germline.

Illumina Laboratory Services, Illumina
Classification: Benign for Cholesteryl ester storage disease. Last evaluated: 2018-01-13. Review status: criteria provided, single submitter. Criteria: ICSL Variant Classification Criteria 13 December 2019. Collection method: clinical testing. Allele origin: germline.
Comment: This variant was observed in the ICSL laboratory as part of a predisposition screen in an ostensibly healthy population. It had not been previously curated by ICSL or reported in the Human Gene Mutation Database (HGMD: prior to June 1st, 2018), and was therefore a candidate for classification through an automated scoring system. Utilizing variant allele frequency, disease prevalence and penetrance estimates, and inheritance mode, an automated score was calculated to assess if this variant is too frequent to cause the disease. Based on the score and internal cut-off values, a variant classified as benign is not then subjected to further curation. The score for this variant resulted in a classification of benign for this disease.

GeneDx
Classification: Benign. Last evaluated: 2015-03-03. Review status: criteria provided, single submitter. Criteria: GeneDx Variant Classification Process June 2021. Collection method: clinical testing. Allele origin: germline. Affected: yes.

Breakthrough Genomics
Classification: Benign. Review status: criteria provided, single submitter. Criteria: ACMG Guidelines, 2015. Collection method: not provided. Allele origin: germline. Inheritance: Autosomal recessive inheritance. Affected: yes.

PreventionGenetics, part of Exact Sciences
Classification: Benign. Review status: criteria provided, single submitter. Criteria: ACMG Guidelines, 2015. Collection method: clinical testing. Allele origin: germline.

Natera, Inc.
Classification: Benign for Lysosomal acid lipase deficiency. Last evaluated: 2019-11-20. Review status: no assertion criteria provided. Collection method: clinical testing. Allele origin: germline. Not counted in ClinVar's aggregate classification.

Mayo Clinic Laboratories, Mayo Clinic
Classification: Benign. Last evaluated: 2015-10-26. Review status: no assertion criteria provided. Collection method: clinical testing. Allele origin: unknown. Not counted in ClinVar's aggregate classification.

NM_000235.4(LIPA):c.539-5C>T

Gene: LIPA (lipase A, lysosomal acid type; minus strand). Cytogenetic location: 10q23.31.
Variant type: single nucleotide variant.
Coding change: c.539-5C>T on transcript NM_000235.4 (MANE Select); 5 bases into the intron before coding-DNA position 539, C replaced by T.
Molecular consequence: intron variant.
Genome position (GRCh38, 1-based): chr10:89,225,233, G>A on the plus strand (C>T on the coding strand, the complement: LIPA is on the minus strand). VCF-style: chr10-89225233-G-A. GRCh37 (hg19) VCF-style: chr10-90984990-G-A.
Other names: c.191-5C>T (NM_001288979.2); c.539-5C>T (NM_001127605.3).
Identifiers: ClinVar variation 255610 (VCV000255610.31), dbSNP rs2297472, ClinGen allele CA5593685.